The following is an entry in ClinVar:

ClinVar aggregate classification (germline): Benign/Likely benign. Review status: criteria provided, multiple submitters, no conflicts (2 of 4 stars). 4 submissions from 4 submitters: Benign (2); Likely benign (2). Last evaluated 2026-06-30.

Conditions:
Disseminated atypical mycobacterial infection. Identifiers: MedGen C0694566.
Immunodeficiency 27A (IMD27A). Also called: IMMUNODEFICIENCY 27A, MYCOBACTERIOSIS, AUTOSOMAL RECESSIVE; IFNGR1 DEFICIENCY, AUTOSOMAL RECESSIVE. Identifiers: Orphanet 319569, Orphanet 99898, MedGen C4011949, MONDO:0008856, OMIM 209950.
IFNGR1-related disorder. Also called: IFNGR1-related condition.

Allele frequency attached by ClinVar (database versions not stated): gnomAD below 0.00001 and 0.00033; TOPMed 0.00003; gnomAD exomes 0.00070 and 0.00121; ExAC 0.00152; 1000 Genomes Project 30x 0.00156; 1000 Genomes Project 0.00160.
gnomAD v4.1: 1,052 of 1,613,832 alleles (0.065%); highest among the groups gnomAD compares: South Asian, 1.1%; 18 homozygotes.

Submissions (4):

PreventionGenetics, part of Exact Sciences
Classification: Likely benign for IFNGR1-related condition. Last evaluated: 2026-06-30. Review status: criteria provided, single submitter. Criteria: ACMG Guidelines, 2015. Collection method: clinical testing. Allele origin: germline.
Comment: This variant is classified as likely benign based on ACMG/AMP sequence variant interpretation guidelines (Richards et al. 2015 PMID: 25741868, with internal and published modifications).

Labcorp Genetics (formerly Invitae), Labcorp
Classification: Benign for Disseminated atypical mycobacterial infection. Last evaluated: 2025-08-10. Review status: criteria provided, single submitter. Criteria: Invitae Variant Classification Sherloc (09022015). Collection method: clinical testing. Allele origin: germline.

Blueprint Genetics
Classification: Likely benign. Last evaluated: 2024-09-24. Review status: criteria provided, single submitter. Criteria: ACMG Guidelines, 2015. Collection method: clinical testing. Allele origin: germline.

Illumina Laboratory Services, Illumina
Classification: Benign for Immunodeficiency 27A. Last evaluated: 2018-01-12. Review status: criteria provided, single submitter. Criteria: ICSL Variant Classification Criteria 13 December 2019. Collection method: clinical testing. Allele origin: germline.
Comment: This variant was observed in the ICSL laboratory as part of a predisposition screen in an ostensibly healthy population. It had not been previously curated by ICSL or reported in the Human Gene Mutation Database (HGMD: prior to June 1st, 2018), and was therefore a candidate for classification through an automated scoring system. Utilizing variant allele frequency, disease prevalence and penetrance estimates, and inheritance mode, an automated score was calculated to assess if this variant is too frequent to cause the disease. Based on the score and internal cut-off values, a variant classified as benign is not then subjected to further curation. The score for this variant resulted in a classification of benign for this disease.

NM_000416.3(IFNGR1):c.522G>A (p.Val174=)

Gene: IFNGR1 (interferon gamma receptor 1; minus strand). Cytogenetic location: 6q23.3.
Variant type: single nucleotide variant.
Coding change: c.522G>A on transcript NM_000416.3 (MANE Select); coding-DNA position 522, G replaced by A.
Protein change: p.Val174=; no amino-acid change (valine 174 retained).
Molecular consequence: synonymous variant.
Genome position (GRCh38, 1-based): chr6:137,204,356, C>T on the plus strand (G>A on the coding strand, the complement: IFNGR1 is on the minus strand). VCF-style: chr6-137204356-C-T. GRCh37 (hg19) VCF-style: chr6-137525493-C-T.
Other names: c.492G>A, p.Val164= (NM_001363526.1); c.399G>A, p.Val133= (NM_001363527.1).
Identifiers: ClinVar variation 355559 (VCV000355559.15), dbSNP rs557217199, ClinGen allele CA4018958.